The following is an entry in ClinVar:

ClinVar aggregate classification (germline): Uncertain significance (1 of 4 stars; one submission).

Conditions:
Familial melanoma. Also called: Hereditary melanoma; Hereditary cutaneous melanoma. Identifiers: Orphanet 618, MedGen C1512419, MONDO:0018961.

Submission:

Labcorp Genetics (formerly Invitae), Labcorp
Classification: Uncertain significance for Familial melanoma. Last evaluated: 2024-10-27. Review status: criteria provided, single submitter. Criteria: Invitae Variant Classification Sherloc (09022015). Collection method: clinical testing. Allele origin: germline.
Comment: This sequence change creates a premature translational stop signal (p.Ser52Thrfs*9) in the CDK4 gene. It is expected to result in an absent or disrupted protein product. However, the current clinical and genetic evidence is not sufficient to establish whether loss-of-function variants in CDK4 cause disease. This variant is not present in population databases (gnomAD no frequency). This variant has not been reported in the literature in individuals affected with CDK4-related conditions. Algorithms developed to predict the effect of sequence changes on RNA splicing suggest that this variant may disrupt the consensus splice site. In summary, the available evidence is currently insufficient to determine the role of this variant in disease. Therefore, it has been classified as a Variant of Uncertain Significance.

NM_000075.4(CDK4):c.155del (p.Ser52fs)

Genes: CDK4 (cyclin dependent kinase 4; minus strand), LOC130008148 (ATAC-STARR-seq lymphoblastoid silent region 4588; plus strand). Cytogenetic location: 12q14.1.
Variant type: Deletion.
Coding change: c.155del on transcript NM_000075.4 (MANE Select); coding-DNA position 155, one base deleted (G; older notation c.155delG).
Protein change: p.Ser52fs; shifts the reading frame from serine 52.
Molecular consequence: frameshift variant.
Genome position (GRCh38, 1-based): chr12:57,751,563, C deleted on the plus strand (G on the coding strand, the reverse complement: CDK4 is on the minus strand). VCF-style (leftmost placement, unchanged base first): chr12-57751562-GC-G. GRCh37 (hg19) VCF-style: chr12-58145345-GC-G.
Other names: short protein forms S52fs.
Identifiers: ClinVar variation 3723843 (VCV003723843.2).
Genomic context (GRCh38, chr12:57,751,562, plus strand): 5'-GACAACATTGGGATGCTCAAAAGCCTCCAGTCGCCTCAGTAAAGCCACCTCACGAACTGT[GC>G]TGATGGGAAGGCCTCCTCCACCTCCTCCTCCATTGGGGACTCTCACACTCTTGAGGGCCA-3'